The following is an entry in ClinVar:

ClinVar aggregate classification (germline): Uncertain significance. Review status: criteria provided, multiple submitters, no conflicts (2 of 4 stars). 2 submissions from 2 submitters: Uncertain significance (2). Last evaluated 2026-01-14.

Conditions:
Mitochondrial trifunctional protein deficiency. Identifiers: Orphanet 746, MedGen C1969443, MONDO:0012172.

Allele frequency attached by ClinVar (database versions not stated): gnomAD 0.00001; ExAC 0.00002; gnomAD exomes 0.00002; TOPMed 0.00002.
gnomAD v4.1: 55 of 1,613,804 alleles (0.0034%); highest among the groups gnomAD compares: Non-Finnish European, 0.0042%; no homozygotes.

Submissions (2):

Labcorp Genetics (formerly Invitae), Labcorp
Classification: Uncertain significance for Mitochondrial trifunctional protein deficiency. Last evaluated: 2026-01-14. Review status: criteria provided, single submitter. Criteria: Invitae Variant Classification Sherloc (09022015). Collection method: clinical testing. Allele origin: germline.
Comment: This sequence change replaces arginine, which is basic and polar, with tryptophan, which is neutral and slightly polar, at codon 446 of the HADHB protein (p.Arg446Trp). This variant is present in population databases (rs781574694, gnomAD 0.01%). This variant has not been reported in the literature in individuals affected with HADHB-related conditions. ClinVar contains an entry for this variant (Variation ID: 894830). Invitae Evidence Modeling of protein sequence and biophysical properties (such as structural, functional, and spatial information, amino acid conservation, physicochemical variation, residue mobility, and thermodynamic stability) indicates that this missense variant is not expected to disrupt HADHB protein function with a negative predictive value of 80%. In summary, the available evidence is currently insufficient to determine the role of this variant in disease. Therefore, it has been classified as a Variant of Uncertain Significance.

Illumina Laboratory Services, Illumina
Classification: Uncertain significance for Mitochondrial trifunctional protein deficiency 1. Last evaluated: 2018-01-13. Review status: criteria provided, single submitter. Criteria: ICSL Variant Classification Criteria 13 December 2019. Collection method: clinical testing. Allele origin: germline.

NM_000183.3(HADHB):c.1336C>T (p.Arg446Trp)

Gene: HADHB (hydroxyacyl-CoA dehydrogenase trifunctional multienzyme complex subunit beta; plus strand). Cytogenetic location: 2p23.3.
Variant type: single nucleotide variant.
Coding change: c.1336C>T on transcript NM_000183.3 (MANE Select); coding-DNA position 1336, C replaced by T.
Protein change: p.Arg446Trp; replaces arginine 446 with tryptophan.
Molecular consequence: missense variant.
Genome position (GRCh38, 1-based): chr2:26,285,518, C>T. VCF-style: chr2-26285518-C-T. GRCh37 (hg19) VCF-style: chr2-26508386-C-T.
Other names: c.1270C>T, p.Arg424Trp (NM_001281513.2); c.1291C>T, p.Arg431Trp (NM_001281512.2); short protein forms R424W, R431W, R446W.
Identifiers: ClinVar variation 894830 (VCV000894830.6), dbSNP rs781574694, ClinGen allele CA1560517.